The following is an entry in ClinVar:

NM_003482.4(KMT2D):c.44C>A (p.Pro15Gln)

Gene: KMT2D (lysine methyltransferase 2D; minus strand). Cytogenetic location: 12q13.12.
Variant type: single nucleotide variant.
Coding change: c.44C>A on transcript NM_003482.4 (MANE Select); coding-DNA position 44, C replaced by A.
Protein change: p.Pro15Gln; replaces proline 15 with glutamine.
Molecular consequence: missense variant.
Genome position (GRCh38, 1-based): chr12:49,055,281, G>T on the plus strand (C>A on the coding strand, the complement: KMT2D is on the minus strand). VCF-style: chr12-49055281-G-T. GRCh37 (hg19) VCF-style: chr12-49449064-G-T.
Other names: short protein forms P15Q.
Identifiers: ClinVar variation 2507349 (VCV002507349.1), dbSNP rs756336640, ClinGen allele CA384691219.
Genomic context (GRCh38, chr12:49,055,281, plus strand): 5'-AAATGTAAGGTTGCCAATGAAATCTAAAAGCAAACAAACAATTTGTCCTACTCACCTGCC[G>T]GTTCTGAATCTTTATCCTCACCAGCCAGCTTCTGGCTGTCCATCCCTCTCTCCGACTGGG-3'
Protein context (NP_003473.3, residues 5-25): KLAGEDKDSE[Pro15Gln]AADGPAASED

ClinVar aggregate classification (germline): Uncertain significance (1 of 4 stars; one submission).

Submission:

GeneDx
Classification: Uncertain significance. Last evaluated: 2022-12-31. Review status: criteria provided, single submitter. Criteria: GeneDx Variant Classification Process June 2021. Collection method: clinical testing. Allele origin: germline. Affected: yes.
Comment: Not observed at significant frequency in large population cohorts (gnomAD); In silico analysis supports that this missense variant has a deleterious effect on protein structure/function; Has not been previously published as pathogenic or benign to our knowledge